The following is an entry in ClinVar:

ClinVar aggregate classification (germline): Uncertain significance. Review status: criteria provided, multiple submitters, no conflicts (2 of 4 stars). 2 submissions from 2 submitters: Uncertain significance (2). Last evaluated 2024-06-23.

Allele frequency attached by ClinVar (database versions not stated): gnomAD exomes 0.00001; ExAC 0.00002; TOPMed 0.00002.
gnomAD v4.1: 19 of 1,614,164 alleles (0.0012%); highest among the groups gnomAD compares: Admixed American, 0.0033%; no homozygotes.

Submissions (2):

Labcorp Genetics (formerly Invitae), Labcorp
Classification: Uncertain significance. Last evaluated: 2024-06-23. Review status: criteria provided, single submitter. Criteria: Invitae Variant Classification Sherloc (09022015). Collection method: clinical testing. Allele origin: germline.
Comment: This sequence change replaces tyrosine, which is neutral and polar, with cysteine, which is neutral and slightly polar, at codon 1161 of the IGF1R protein (p.Tyr1161Cys). This variant is present in population databases (rs769891354, gnomAD 0.004%). This variant has not been reported in the literature in individuals affected with IGF1R-related conditions. ClinVar contains an entry for this variant (Variation ID: 2645735). Advanced modeling of protein sequence and biophysical properties (such as structural, functional, and spatial information, amino acid conservation, physicochemical variation, residue mobility, and thermodynamic stability) performed at Invitae indicates that this missense variant is expected to disrupt IGF1R protein function with a positive predictive value of 80%. In summary, the available evidence is currently insufficient to determine the role of this variant in disease. Therefore, it has been classified as a Variant of Uncertain Significance.

CeGaT Center for Human Genetics Tuebingen
Classification: Uncertain significance. Last evaluated: 2022-06-01. Review status: criteria provided, single submitter. Criteria: CeGaT Center For Human Genetics Tuebingen Variant Classification Criteria Version 2. Collection method: clinical testing. Allele origin: germline. Affected: yes. Observed: 1 variant allele.
Comment: IGF1R: PP3

NM_000875.5(IGF1R):c.3482A>G (p.Tyr1161Cys)

Gene: IGF1R (insulin like growth factor 1 receptor; plus strand). Cytogenetic location: 15q26.3.
Variant type: single nucleotide variant.
Coding change: c.3482A>G on transcript NM_000875.5 (MANE Select); coding-DNA position 3482, A replaced by G.
Protein change: p.Tyr1161Cys; replaces tyrosine 1161 with cysteine.
Molecular consequence: missense variant.
Genome position (GRCh38, 1-based): chr15:98,942,947, A>G. VCF-style: chr15-98942947-A-G. GRCh37 (hg19) VCF-style: chr15-99486176-A-G.
Other names: c.3479A>G, p.Tyr1160Cys (NM_001291858.2); short protein forms Y1160C, Y1161C.
Identifiers: ClinVar variation 2645735 (VCV002645735.26), dbSNP rs769891354, ClinGen allele CA7752701.